The following is an entry in ClinVar:

ClinVar aggregate classification (germline): Likely benign (1 of 4 stars; one submission).

Allele frequency attached by ClinVar (database versions not stated): 1000 Genomes Project 0.00020; 1000 Genomes Project 30x 0.00031; ExAC 0.00036; gnomAD exomes 0.00037; TOPMed 0.00040; ESP Exome Variant Server 0.00046; gnomAD 0.00050.
gnomAD v4.1: 619 of 1,606,122 alleles (0.039%); highest among the groups gnomAD compares: Middle Eastern, 0.65%; 1 homozygote.

Submission:

CeGaT Center for Human Genetics Tuebingen
Classification: Likely benign. Last evaluated: 2024-06-01. Review status: criteria provided, single submitter. Criteria: CeGaT Center For Human Genetics Tuebingen Variant Classification Criteria Version 2. Collection method: clinical testing. Allele origin: germline. Affected: yes. Observed: 2 variant alleles.
Comment: COPB1: BP4, BP7

NM_001144061.2(COPB1):c.1350A>G (p.Lys450=)

Gene: COPB1 (coat protein complex I subunit beta 1; minus strand). Cytogenetic location: 11p15.2.
Variant type: single nucleotide variant.
Coding change: c.1350A>G on transcript NM_001144061.2 (MANE Select); coding-DNA position 1350, A replaced by G.
Protein change: p.Lys450=; no amino-acid change (lysine 450 retained).
Molecular consequence: synonymous variant.
Genome position (GRCh38, 1-based): chr11:14,479,577, T>C on the plus strand (A>G on the coding strand, the complement: COPB1 is on the minus strand). VCF-style: chr11-14479577-T-C. GRCh37 (hg19) VCF-style: chr11-14501123-T-C.
Other names: c.1350A>G, p.Lys450= (NM_001144062.2, NM_016451.5).
Identifiers: ClinVar variation 2672460 (VCV002672460.23), dbSNP rs138845699, ClinGen allele CA5894873.